The following is an entry in ClinVar:

ClinVar aggregate classification (germline): Uncertain significance (1 of 4 stars; one submission).

Conditions:
Cardiovascular phenotype. Identifiers: MedGen CN230736.

Submission:

Ambry Genetics
Classification: Uncertain significance for Cardiovascular phenotype. Last evaluated: 2024-11-03. Review status: criteria provided, single submitter. Criteria: Ambry Variant Classification Scheme 2023. Collection method: clinical testing. Allele origin: germline.
Comment: The p.D260A variant (also known as c.779A>C), located in coding exon 8 of the ANK2 gene, results from an A to C substitution at nucleotide position 779. The aspartic acid at codon 260 is replaced by alanine, an amino acid with dissimilar properties. This amino acid position is conserved. In addition, this alteration is predicted to be deleterious by in silico analysis. Based on the available evidence, the clinical significance of this variant remains unclear.

NM_001148.6(ANK2):c.779A>C (p.Asp260Ala)

Gene: ANK2 (ankyrin 2; plus strand). Cytogenetic location: 4q26.
Variant type: single nucleotide variant.
Coding change: c.779A>C on transcript NM_001148.6 (MANE Select); coding-DNA position 779, A replaced by C.
Protein change: p.Asp260Ala; replaces aspartic acid 260 with alanine.
Molecular consequence: missense variant.
Genome position (GRCh38, 1-based): chr4:113,240,570, A>C. VCF-style: chr4-113240570-A-C. GRCh37 (hg19) VCF-style: chr4-114161726-A-C.
Other names: c.716A>C, p.Asp239Ala (NM_001127493.3, NM_001354239.2, NM_001354243.2 and 14 more transcripts); c.779A>C, p.Asp260Ala (NM_001354225.2, NM_001354228.2, NM_001354232.2 and 9 more transcripts); c.824A>C, p.Asp275Ala (NM_001354230.2, NM_001354231.2, NM_001354237.2 and 5 more transcripts); c.692A>C, p.Asp231Ala (NM_001354249.2, NM_001354260.2, NM_001354264.2 and 16 more transcripts); c.737A>C, p.Asp246Ala (NM_001354261.2, NM_001386147.1, NM_001386160.1); c.767A>C, p.Asp256Ala (NM_001354269.3, NM_001386148.2, NM_001386186.2); c.830A>C, p.Asp277Ala (NM_001386174.1); c.806A>C, p.Asp269Ala (NM_001386175.1); and 1 more; short protein forms D256A, D231A, D260A, D246A, D248A, D239A, D269A, D275A.
Identifiers: ClinVar variation 3540502 (VCV003540502.1).